The following is an entry in ClinVar:

ClinVar aggregate classification (germline): Uncertain significance. Review status: criteria provided, multiple submitters, no conflicts (2 of 4 stars). 2 submissions from 2 submitters: Uncertain significance (2). Last evaluated 2025-09-10.

Conditions:
Inborn genetic diseases. Identifiers: MedGen C0950123, MeSH D030342.

Allele frequency attached by ClinVar (database versions not stated): gnomAD 0.00001; gnomAD exomes 0.00001 and 0.00003; TOPMed 0.00001.
gnomAD v4.1: 35 of 1,479,822 alleles (0.0024%); highest among the groups gnomAD compares: Non-Finnish European, 0.003%; no homozygotes.

Submissions (2):

Ambry Genetics
Classification: Uncertain significance for Inborn genetic diseases. Last evaluated: 2025-09-10. Review status: criteria provided, single submitter. Criteria: Ambry Variant Classification Scheme 2023. Collection method: clinical testing. Allele origin: germline.

Labcorp Genetics (formerly Invitae), Labcorp
Classification: Uncertain significance. Last evaluated: 2024-02-17. Review status: criteria provided, single submitter. Criteria: Invitae Variant Classification Sherloc (09022015). Collection method: clinical testing. Allele origin: germline.
Comment: This sequence change replaces proline, which is neutral and non-polar, with leucine, which is neutral and non-polar, at codon 595 of the TNFRSF11A protein (p.Pro595Leu). This variant is present in population databases (no rsID available, gnomAD 0.003%). This variant has not been reported in the literature in individuals affected with TNFRSF11A-related conditions. ClinVar contains an entry for this variant (Variation ID: 1397973). Algorithms developed to predict the effect of missense changes on protein structure and function output the following: SIFT: "Not Available"; PolyPhen-2: "Benign"; Align-GVGD: "Not Available". The leucine amino acid residue is found in multiple mammalian species, which suggests that this missense change does not adversely affect protein function. In summary, the available evidence is currently insufficient to determine the role of this variant in disease. Therefore, it has been classified as a Variant of Uncertain Significance.

NM_003839.4(TNFRSF11A):c.1784C>T (p.Pro595Leu)

Gene: TNFRSF11A (TNF receptor superfamily member 11a; plus strand). Cytogenetic location: 18q21.33.
Variant type: single nucleotide variant.
Coding change: c.1784C>T on transcript NM_003839.4 (MANE Select); coding-DNA position 1784, C replaced by T.
Protein change: p.Pro595Leu; replaces proline 595 with leucine.
Molecular consequence: missense variant. On other transcripts: 3 prime UTR variant (1).
Genome position (GRCh38, 1-based): chr18:62,384,967, C>T. VCF-style: chr18-62384967-C-T. GRCh37 (hg19) VCF-style: chr18-60052200-C-T.
Other names: c.*208C>T (NM_001270949.2); c.947C>T, p.Pro316Leu (NM_001270950.2); c.833C>T, p.Pro278Leu (NM_001270951.2); c.1742C>T, p.Pro581Leu (NM_001278268.2); c.1784C>T (NM_003839.2); short protein forms P278L, P595L, P316L, P581L.
Identifiers: ClinVar variation 1397973 (VCV001397973.9), dbSNP rs895969683, ClinGen allele CA301714822.